The following is an entry in ClinVar:

ClinVar aggregate classification (germline): Uncertain significance (1 of 4 stars; one submission).

Conditions:
Coffin-Siris syndrome 10. Also called: INTELLECTUAL DEVELOPMENTAL DISORDER WITH SPEECH DELAY AND DYSMORPHIC FACIES. Identifiers: MedGen C4760583, MONDO:0032791, OMIM 618506.

Submission:

3billion
Classification: Uncertain significance for Coffin-Siris syndrome 10. Last evaluated: 2024-03-12. Review status: criteria provided, single submitter. Criteria: ACMG Guidelines, 2015. Collection method: clinical testing. Allele origin: germline. Affected: yes.
Comment: The variant is not observed in the gnomAD v2.1.1 dataset. Predicted Consequence/Location: Missense variant In silico tool predictions suggest damaging effect of the variant on gene or gene product [REVEL: 0.92 (>=0.6, sensitivity 0.68 and specificity 0.92); 3Cnet: 0.87 (>=0.6, sensitivity 0.72 and precision 0.9)]. A different missense change at the same codon (p.Gly94Asp) has been reported to be associated with SOX4 related disorder (ClinVar ID: VCV002580163). Therefore, this variant is classified as VUS according to the recommendation of ACMG/AMP guideline.

NM_003107.3(SOX4):c.281G>C (p.Gly94Ala)

Gene: SOX4 (SRY-box transcription factor 4; plus strand). Cytogenetic location: 6p22.3.
Variant type: single nucleotide variant.
Coding change: c.281G>C on transcript NM_003107.3 (MANE Select); coding-DNA position 281, G replaced by C.
Protein change: p.Gly94Ala; replaces glycine 94 with alanine.
Molecular consequence: missense variant.
Genome position (GRCh38, 1-based): chr6:21,594,815, G>C. VCF-style: chr6-21594815-G-C. GRCh37 (hg19) VCF-style: chr6-21595046-G-C.
Other names: short protein forms G94A.
Identifiers: ClinVar variation 3776188 (VCV003776188.1).